The following is an entry in ClinVar:

ClinVar aggregate classification (germline): Uncertain significance (1 of 4 stars; one submission).

Conditions:
Hereditary cancer-predisposing syndrome. Also called: Neoplastic Syndromes, Hereditary; Hereditary Cancer Syndrome; Hereditary neoplastic syndrome; Tumor predisposition. Identifiers: Orphanet 140162, MedGen C0027672, MeSH D009386, MONDO:0015356.

Submission:

Labcorp Genetics (formerly Invitae), Labcorp
Classification: Uncertain significance for Hereditary cancer-predisposing syndrome. Last evaluated: 2022-03-11. Review status: criteria provided, single submitter. Criteria: Invitae Variant Classification Sherloc (09022015). Collection method: clinical testing. Allele origin: germline.
Comment: In summary, the available evidence is currently insufficient to determine the role of this variant in disease. Therefore, it has been classified as a Variant of Uncertain Significance. Variants that disrupt the consensus splice site are a relatively common cause of aberrant splicing (PMID: 17576681, 9536098). Algorithms developed to predict the effect of sequence changes on RNA splicing suggest that this variant is not likely to affect RNA splicing. This variant has not been reported in the literature in individuals affected with RAD50-related conditions. This variant is not present in population databases (gnomAD no frequency). This sequence change falls in intron 10 of the RAD50 gene. It does not directly change the encoded amino acid sequence of the RAD50 protein. It affects a nucleotide within the consensus splice site.

Literature cited by the submitters: PubMed 17576681; PubMed 9536098.

NM_005732.4(RAD50):c.1635+5G>T

Gene: RAD50 (RAD50 double strand break repair protein; plus strand). Cytogenetic location: 5q31.1.
Variant type: single nucleotide variant.
Coding change: c.1635+5G>T on transcript NM_005732.4 (MANE Select); 5 bases into the intron after coding-DNA position 1635, G replaced by T.
Molecular consequence: intron variant.
Genome position (GRCh38, 1-based): chr5:132,591,411, G>T. VCF-style: chr5-132591411-G-T. GRCh37 (hg19) VCF-style: chr5-131927103-G-T.
Identifiers: ClinVar variation 2109007 (VCV002109007.4), dbSNP rs1580994525, ClinGen allele CA2580072729.
Genomic context (GRCh38, chr5:132,591,411, plus strand): 5'-AGTTAAACCATCATACAACAACACGTACCCAAATGGAGATGCTGACCAAAGACAAAGTAT[G>T]ATTTTTCTTTTTGTTCTAATTATACTGTCTGGTACTTAAAATAGCCTACCTTGCACTCAT-3'